The following is an entry in ClinVar:

NM_006623.4(PHGDH):c.706C>T (p.Arg236Cys)

Gene: PHGDH (phosphoglycerate dehydrogenase; plus strand). Cytogenetic location: 1p12.
Variant type: single nucleotide variant.
Coding change: c.706C>T on transcript NM_006623.4 (MANE Select); coding-DNA position 706, C replaced by T.
Protein change: p.Arg236Cys; replaces arginine 236 with cysteine.
Molecular consequence: missense variant.
Genome position (GRCh38, 1-based): chr1:119,735,357, C>T. VCF-style: chr1-119735357-C-T. GRCh37 (hg19) VCF-style: chr1-120277980-C-T.
Other names: short protein forms R236C.
Identifiers: ClinVar variation 587637 (VCV000587637.8), dbSNP rs147066269, ClinGen allele CA1037223.

ClinVar aggregate classification (germline): Uncertain significance. Review status: criteria provided, multiple submitters, no conflicts (2 of 4 stars). 6 submissions from 4 submitters: Uncertain significance (6). Last evaluated 2026-06-30.

Conditions:
Neu-Laxova syndrome 1 (NLS1). Identifiers: Orphanet 2671, Orphanet 583607, MedGen C4551478, MONDO:0009736, OMIM 256520. Disease mechanism: loss of function.
PHGDH deficiency. Identifiers: Orphanet 79351, MedGen C1866174, MONDO:0011152, OMIM 601815.

Allele frequency attached by ClinVar (database versions not stated): ExAC 0.00005; gnomAD exomes 0.00005 and 0.00012; gnomAD 0.00006; TOPMed 0.00006; ESP Exome Variant Server 0.00038.
gnomAD v4.1: 181 of 1,614,028 alleles (0.011%); highest among the groups gnomAD compares: Non-Finnish European, 0.014%; no homozygotes.

Submissions (6):

GeneDx
Classification: Uncertain significance. Last evaluated: 2026-06-30. Review status: criteria provided, single submitter. Criteria: GeneDx Variant Classification Process June 2021. Collection method: clinical testing. Allele origin: germline.
Comment: Reported heterozygous in a patient with macular telangiectasia, however further clinical information was not provided (PMID: 39191258); Not observed at significant frequency in large population cohorts (gnomAD); In silico analysis supports that this missense variant has a deleterious effect on protein structure/function; This variant is associated with the following publications: (PMID: 33758422, 39191258)

Genome-Nilou Lab
Classification: Uncertain significance for Neu-Laxova syndrome 1. Last evaluated: 2023-04-11. Review status: criteria provided, single submitter. Criteria: ACMG Guidelines, 2015. Collection method: clinical testing. Allele origin: germline. Affected: no.

Genome-Nilou Lab
Classification: Uncertain significance for PHGDH deficiency. Last evaluated: 2023-04-11. Review status: criteria provided, single submitter. Criteria: ACMG Guidelines, 2015. Collection method: clinical testing. Allele origin: germline. Affected: no.

Labcorp Genetics (formerly Invitae), Labcorp
Classification: Uncertain significance for PHGDH deficiency. Last evaluated: 2022-07-12. Review status: criteria provided, single submitter. Criteria: Invitae Variant Classification Sherloc (09022015). Collection method: clinical testing. Allele origin: germline.
Comment: This sequence change replaces arginine, which is basic and polar, with cysteine, which is neutral and slightly polar, at codon 236 of the PHGDH protein (p.Arg236Cys). This variant is present in population databases (rs147066269, gnomAD 0.01%). This variant has not been reported in the literature in individuals affected with PHGDH-related conditions. ClinVar contains an entry for this variant (Variation ID: 587637). Algorithms developed to predict the effect of missense changes on protein structure and function are either unavailable or do not agree on the potential impact of this missense change (SIFT: "Deleterious"; PolyPhen-2: "Probably Damaging"; Align-GVGD: "Class C15"). Experimental studies have shown that this missense change affects PHGDH function (PMID: 33758422). In summary, the available evidence is currently insufficient to determine the role of this variant in disease. Therefore, it has been classified as a Variant of Uncertain Significance.

Genomic Research Center, Shahid Beheshti University of Medical Sciences
Classification: Uncertain significance for Phosphoglycerate dehydrogenase deficiency. Last evaluated: 2018-08-07. Review status: criteria provided, single submitter. Criteria: ACMG Guidelines, 2015. Collection method: clinical testing. Allele origin: inherited. Affected: no. Observed: 1 variant allele.

Genomic Research Center, Shahid Beheshti University of Medical Sciences
Classification: Uncertain significance for Neu-Laxova syndrome 1. Last evaluated: 2018-08-07. Review status: criteria provided, single submitter. Criteria: ACMG Guidelines, 2015. Collection method: clinical testing. Allele origin: inherited. Affected: no. Observed: 1 variant allele.

Literature cited by the submitters: PubMed 33758422 (cited by Labcorp Genetics (formerly Invitae), Labcorp).